The following is an entry in ClinVar:

NM_001394372.1(BICRA):c.4205A>C (p.Glu1402Ala)

Gene: BICRA (BRD4 interacting chromatin remodeling complex associated protein; plus strand). Cytogenetic location: 19q13.33.
Variant type: single nucleotide variant.
Coding change: c.4205A>C on transcript NM_001394372.1 (MANE Select); coding-DNA position 4205, A replaced by C.
Protein change: p.Glu1402Ala; replaces glutamic acid 1402 with alanine.
Molecular consequence: missense variant.
Genome position (GRCh38, 1-based): chr19:47,701,937, A>C. VCF-style: chr19-47701937-A-C. GRCh37 (hg19) VCF-style: chr19-48205194-A-C.
Other names: c.4205A>C, p.Glu1402Ala (NM_015711.3); short protein forms E1402A.
Identifiers: ClinVar variation 3658559 (VCV003658559.2).

ClinVar aggregate classification (germline): Uncertain significance (1 of 4 stars; one submission).

Submission:

Labcorp Genetics (formerly Invitae), Labcorp
Classification: Uncertain significance. Last evaluated: 2024-07-02. Review status: criteria provided, single submitter. Criteria: Invitae Variant Classification Sherloc (09022015). Collection method: clinical testing. Allele origin: germline.
Comment: This sequence change replaces glutamic acid, which is acidic and polar, with alanine, which is neutral and non-polar, at codon 1402 of the BICRA protein (p.Glu1402Ala). This variant is not present in population databases (gnomAD no frequency). This variant has not been reported in the literature in individuals affected with BICRA-related conditions. An algorithm developed to predict the effect of missense changes on protein structure and function (PolyPhen-2) suggests that this variant is likely to be tolerated. In summary, the available evidence is currently insufficient to determine the role of this variant in disease. Therefore, it has been classified as a Variant of Uncertain Significance.